The following is an entry in ClinVar:

NM_000038.6(APC):c.4080T>G (p.Ser1360=)

Gene: APC (APC regulator of Wnt signaling pathway; plus strand). Cytogenetic location: 5q22.2.
Variant type: single nucleotide variant.
Coding change: c.4080T>G on transcript NM_000038.6 (MANE Select); coding-DNA position 4080, T replaced by G.
Protein change: p.Ser1360=; no amino-acid change (serine 1360 retained).
Molecular consequence: synonymous variant.
Genome position (GRCh38, 1-based): chr5:112,839,674, T>G. VCF-style: chr5-112839674-T-G. GRCh37 (hg19) VCF-style: chr5-112175371-T-G.
Other names: c.4080T>G, p.Ser1360= (NM_001127510.3, NM_001354895.2); c.4026T>G, p.Ser1342= (NM_001127511.3); c.4134T>G, p.Ser1378= (NM_001354896.2); c.4110T>G, p.Ser1370= (NM_001354897.2); c.4005T>G, p.Ser1335= (NM_001354898.2); c.3996T>G, p.Ser1332= (NM_001354899.2); c.3957T>G, p.Ser1319= (NM_001354900.2); c.3903T>G, p.Ser1301= (NM_001354901.2); and 5 more.
Identifiers: ClinVar variation 1171770 (VCV001171770.10), dbSNP rs776615303, ClinGen allele CA445964094.

ClinVar aggregate classification (germline): Likely benign. Review status: criteria provided, multiple submitters, no conflicts (2 of 4 stars). 4 submissions from 4 submitters: Likely benign (4). Last evaluated 2024-08-06.

Conditions:
Familial adenomatous polyposis 1 (FAP1). Also called: FAMILIAL ADENOMATOUS POLYPOSIS 1, ATTENUATED; POLYPOSIS, ADENOMATOUS INTESTINAL. Identifiers: MedGen C2713442, MONDO:0021056, OMIM 175100. Disease mechanism: loss of function.
Hereditary cancer-predisposing syndrome. Also called: Tumor predisposition; Hereditary neoplastic syndrome; Hereditary Cancer Syndrome; Neoplastic Syndromes, Hereditary. Identifiers: Orphanet 140162, MedGen C0027672, MeSH D009386, MONDO:0015356.
Classic or attenuated familial adenomatous polyposis. Identifiers: MedGen CN372698, MONDO:0021057.

Submissions (4):

All of Us Research Program, National Institutes of Health
Classification: Likely benign for Classic or attenuated familial adenomatous polyposis. Last evaluated: 2024-08-06. Review status: criteria provided, single submitter. Criteria: ACMG Guidelines, 2015. Collection method: clinical testing. Allele origin: germline. Inheritance: Autosomal dominant inheritance. Observed: 1 variant allele, 1 heterozygote.
Comment: This study involves interpretation of variants in research participants for the purpose of population health screening. Participant phenotype was not available at the time of variant classification. Additional details can be found in publication PMID: 35346344, PMCID: PMC8962531

Labcorp Genetics (formerly Invitae), Labcorp
Classification: Likely benign for Familial adenomatous polyposis 1. Last evaluated: 2022-09-18. Review status: criteria provided, single submitter. Criteria: Invitae Variant Classification Sherloc (09022015). Collection method: clinical testing. Allele origin: germline.

Ambry Genetics
Classification: Likely benign for Hereditary cancer-predisposing syndrome. Last evaluated: 2022-03-23. Review status: criteria provided, single submitter. Criteria: Ambry Variant Classification Scheme 2023. Collection method: clinical testing. Allele origin: germline.

Color Diagnostics, LLC DBA Color Health
Classification: Likely benign for Hereditary cancer-predisposing syndrome. Last evaluated: 2020-11-24. Review status: criteria provided, single submitter. Criteria: ACMG Guidelines, 2015. Collection method: clinical testing. Allele origin: germline.